The following is an entry in ClinVar:

NM_001363118.2(SLC52A2):c.83A>G (p.Asn28Ser)

Gene: SLC52A2 (solute carrier family 52 member 2; plus strand). Cytogenetic location: 8q24.3.
Variant type: single nucleotide variant.
Coding change: c.83A>G on transcript NM_001363118.2 (MANE Select); coding-DNA position 83, A replaced by G.
Protein change: p.Asn28Ser; replaces asparagine 28 with serine.
Molecular consequence: missense variant.
Genome position (GRCh38, 1-based): chr8:144,359,376, A>G. VCF-style: chr8-144359376-A-G. GRCh37 (hg19) VCF-style: chr8-145583036-A-G.
Other names: p.Asn28Ser; c.83A>G, p.Asn28Ser (NM_001253815.2, NM_001253816.2, NM_001363120.2 and 3 more transcripts); c.83A>G (NM_001253816.1); short protein forms N28S.
Identifiers: ClinVar variation 581927 (VCV000581927.10), dbSNP rs141698844, ClinGen allele CA4938081.
Genomic context (GRCh38, chr8:144,359,376, plus strand): 5'-GTCCGGTGCTGACCCACCTGCTGGTGGCTCTCTTCGGCATGGGCTCCTGGGCTGCGGTCA[A>G]TGGGATCTGGGTGGAGCTACCTGTGGTGGTCAAAGAGCTTCCAGAGGGTGAGTGGGAGGG-3'
Protein context (NP_001350047.1, residues 18-38): LFGMGSWAAV[Asn28Ser]GIWVELPVVV

ClinVar aggregate classification (germline): Uncertain significance. Review status: criteria provided, multiple submitters, no conflicts (2 of 4 stars). 4 submissions from 4 submitters: Uncertain significance (4). Last evaluated 2025-06-05.

Conditions:
Inborn genetic diseases. Identifiers: MedGen C0950123, MeSH D030342.
SLC52A2-related disorder. Also called: SLC52A2-related condition.
Brown-Vialetto-van Laere syndrome 2. Also called: Riboflavin transporter deficiency type 2; SPINOCEREBELLAR ATAXIA WITH BLINDNESS AND DEAFNESS 2. Identifiers: Orphanet 572543, Orphanet 97229, MedGen C3553538, MONDO:0013867, OMIM 614707.

Allele frequency attached by ClinVar (database versions not stated): gnomAD 0.00011 and 0.00009; TOPMed 0.00011; ExAC 0.00012; gnomAD exomes 0.00009 and 0.00012; 1000 Genomes Project 30x 0.00016; 1000 Genomes Project 0.00020; ESP Exome Variant Server 0.00031.

Submissions (6):

PreventionGenetics, part of Exact Sciences
Classification: Uncertain significance for SLC52A2-related condition. Last evaluated: 2025-06-05. Review status: criteria provided, single submitter. Criteria: ACMG Guidelines, 2015. Collection method: clinical testing. Allele origin: germline.
Comment: The SLC52A2 c.83A>G variant is predicted to result in the amino acid substitution p.Asn28Ser. To our knowledge, this variant has not been reported in the literature. This variant is reported in 0.024% of alleles in individuals of European (Finnish) descent in gnomAD. At this time, the clinical significance of this variant is uncertain due to the absence of conclusive functional and genetic evidence.

Mayo Clinic Laboratories, Mayo Clinic
Classification: Uncertain significance. Last evaluated: 2024-08-09. Review status: criteria provided, single submitter. Criteria: ACMG Guidelines, 2015. Collection method: clinical testing. Allele origin: germline. Observed: 1 variant allele.

Labcorp Genetics (formerly Invitae), Labcorp
Classification: Uncertain significance for Brown-Vialetto-van Laere syndrome 2. Last evaluated: 2022-06-20. Review status: criteria provided, single submitter. Criteria: Invitae Variant Classification Sherloc (09022015). Collection method: clinical testing. Allele origin: germline.
Comment: This sequence change replaces asparagine, which is neutral and polar, with serine, which is neutral and polar, at codon 28 of the SLC52A2 protein (p.Asn28Ser). This variant is present in population databases (rs141698844, gnomAD 0.02%). This variant has not been reported in the literature in individuals affected with SLC52A2-related conditions. ClinVar contains an entry for this variant (Variation ID: 581927). Advanced modeling of protein sequence and biophysical properties (such as structural, functional, and spatial information, amino acid conservation, physicochemical variation, residue mobility, and thermodynamic stability) performed at Invitae indicates that this missense variant is expected to disrupt SLC52A2 protein function. Algorithms developed to predict the effect of sequence changes on RNA splicing suggest that this variant may create or strengthen a splice site. In summary, the available evidence is currently insufficient to determine the role of this variant in disease. Therefore, it has been classified as a Variant of Uncertain Significance.

Ambry Genetics
Classification: Uncertain significance for Inborn genetic diseases. Last evaluated: 2020-01-08. Review status: criteria provided, single submitter. Criteria: Ambry Variant Classification Scheme 2023. Collection method: clinical testing. Allele origin: germline.
Comment: The p.N28S variant (also known as c.83A>G), located in coding exon 1 of the SLC52A2 gene, results from an A to G substitution at nucleotide position 83. The asparagine at codon 28 is replaced by serine, an amino acid with highly similar properties. This amino acid position is well conserved in available vertebrate species. In addition, this alteration is predicted to be tolerated by in silico analysis. Since supporting evidence is limited at this time, the clinical significance of this alteration remains unclear.

Dr. Peter K. Rogan Lab, Western University
No classification provided (evidence only). Condition: Acute myeloid leukemia. Review status: no classification provided. Collection method: in vitro. Allele origin: not applicable. Functional consequence: retained intron. Not counted in ClinVar's aggregate classification.

Dr. Peter K. Rogan Lab, Western University
No classification provided (evidence only). Condition: Squamous cell lung carcinoma. Review status: no classification provided. Collection method: in vitro. Allele origin: not applicable. Functional consequence: retained intron. Not counted in ClinVar's aggregate classification.

Literature cited by the submitters: PubMed 23506902 (cited by Mayo Clinic Laboratories, Mayo Clinic).